The following is an entry in ClinVar:

ClinVar aggregate classification (germline): Uncertain significance (1 of 4 stars; one submission).

Conditions:
Hypertrophic cardiomyopathy 1 (CMH1). Also called: MYH7-Related Familial Hypertrophic Cardiomyopathy; Familial hypertrophic cardiomyopathy 1. Identifiers: MedGen C3495498, MONDO:0008647, OMIM 192600.

Allele frequency attached by ClinVar (database versions not stated): gnomAD exomes below 0.00001; ExAC 0.00001; gnomAD 0.00001.

Submission:

Labcorp Genetics (formerly Invitae), Labcorp
Classification: Uncertain significance for Hypertrophic cardiomyopathy 1. Last evaluated: 2023-09-18. Review status: criteria provided, single submitter. Criteria: Invitae Variant Classification Sherloc (09022015). Collection method: clinical testing. Allele origin: germline.
Comment: This variant has not been reported in the literature in individuals affected with MYLK2-related conditions. This sequence change replaces alanine, which is neutral and non-polar, with serine, which is neutral and polar, at codon 32 of the MYLK2 protein (p.Ala32Ser). The frequency data for this variant in the population databases is considered unreliable, as metrics indicate poor data quality at this position in the gnomAD database. Algorithms developed to predict the effect of missense changes on protein structure and function output the following: SIFT: "Not Available"; PolyPhen-2: "Benign"; Align-GVGD: "Not Available". The serine amino acid residue is found in multiple mammalian species, which suggests that this missense change does not adversely affect protein function. In summary, the available evidence is currently insufficient to determine the role of this variant in disease. Therefore, it has been classified as a Variant of Uncertain Significance.

NM_033118.4(MYLK2):c.94G>T (p.Ala32Ser)

Gene: MYLK2 (myosin light chain kinase 2; plus strand). Cytogenetic location: 20q11.21.
Variant type: single nucleotide variant.
Coding change: c.94G>T on transcript NM_033118.4 (MANE Select); coding-DNA position 94, G replaced by T.
Protein change: p.Ala32Ser; replaces alanine 32 with serine.
Molecular consequence: missense variant.
Genome position (GRCh38, 1-based): chr20:31,820,167, G>T. VCF-style: chr20-31820167-G-T. GRCh37 (hg19) VCF-style: chr20-30407970-G-T.
Other names: short protein forms A32S.
Identifiers: ClinVar variation 2903748 (VCV002903748.3), dbSNP rs757983286, ClinGen allele CA9802838.